The following is an entry in ClinVar:

ClinVar aggregate classification (germline): Uncertain significance. Review status: criteria provided, multiple submitters, no conflicts (2 of 4 stars). 2 submissions from 2 submitters: Uncertain significance (2). Last evaluated 2023-09-11.

Conditions:
Intellectual developmental disorder, X-linked 100. Also called: Intellectual disability, X-linked 100. Identifiers: MedGen C3890167, MONDO:0010488, OMIM 300923.

Allele frequency attached by ClinVar (database versions not stated): TOPMed below 0.00001; gnomAD exomes below 0.00001.

Submissions (2):

Mendelics
Classification: Uncertain significance for Intellectual developmental disorder, X-linked 100. Last evaluated: 2023-09-11. Review status: criteria provided, single submitter. Criteria: Mendelics Assertion Criteria 2017. Collection method: clinical testing. Allele origin: unknown.

Laboratorio de Genetica e Diagnostico Molecular, Hospital Israelita Albert Einstein
Classification: Uncertain significance for Intellectual developmental disorder, X-linked 100. Last evaluated: 2023-06-16. Review status: criteria provided, single submitter. Criteria: ACMG Guidelines, 2015. Collection method: clinical testing. Allele origin: germline. Affected: yes.
Comment: ACMG classification criteria: PM2 moderate, BP4 supporting

NM_012310.5(KIF4A):c.1525G>A (p.Asp509Asn)

Gene: KIF4A (kinesin family member 4A; plus strand). Cytogenetic location: Xq13.1.
Variant type: single nucleotide variant.
Coding change: c.1525G>A on transcript NM_012310.5 (MANE Select); coding-DNA position 1525, G replaced by A.
Protein change: p.Asp509Asn; replaces aspartic acid 509 with asparagine.
Molecular consequence: missense variant.
Genome position (GRCh38, 1-based): chrX:70,353,658, G>A. VCF-style: chrX-70353658-G-A. GRCh37 (hg19) VCF-style: chrX-69573508-G-A.
Other names: short protein forms D509N.
Identifiers: ClinVar variation 804023 (VCV000804023.4), dbSNP rs1344933833, ClinGen allele CA413474523.